The following is an entry in ClinVar:

NM_000350.3(ABCA4):c.1198_1207del (p.Tyr400fs)

Gene: ABCA4 (ATP binding cassette subfamily A member 4; minus strand). Cytogenetic location: 1p22.1.
Variant type: Deletion.
Coding change: c.1198_1207del on transcript NM_000350.3 (MANE Select); coding-DNA positions 1198 to 1207, 10 bases deleted (TACACTCCTG; older notation c.1198_1207delTACACTCCTG).
Protein change: p.Tyr400fs; shifts the reading frame from tyrosine 400.
Molecular consequence: frameshift variant.
Genome position (GRCh38, 1-based): chr1:94,079,354-94,079,363, CAGGAGTGTA deleted on the plus strand (TACACTCCTG on the coding strand, the reverse complement: ABCA4 is on the minus strand); deleting any 10 consecutive bases within chr1:94,079,354-94,079,368 gives the same sequence; the c. name uses the placement nearest the transcript's 3' end. VCF-style (leftmost placement, unchanged base first): chr1-94079353-TCAGGAGTGTA-T. GRCh37 (hg19) VCF-style: chr1-94544909-TCAGGAGTGTA-T.
Other names: c.1193_1202delTCCTGTACAC, p.Tyr400Ilefs (NM_001425324.1); short protein forms Y400fs.
Identifiers: ClinVar variation 2834084 (VCV002834084.3), dbSNP rs2523897865, ClinGen allele CA2739272678.

ClinVar aggregate classification (germline): Pathogenic (1 of 4 stars; one submission).

Submission:

Labcorp Genetics (formerly Invitae), Labcorp
Classification: Pathogenic. Last evaluated: 2023-02-10. Review status: criteria provided, single submitter. Criteria: Invitae Variant Classification Sherloc (09022015). Collection method: clinical testing. Allele origin: germline.
Comment: This sequence change creates a premature translational stop signal (p.Tyr400Ilefs*9) in the ABCA4 gene. It is expected to result in an absent or disrupted protein product. Loss-of-function variants in ABCA4 are known to be pathogenic (PMID: 10958761, 24938718, 25312043, 26780318). This variant is not present in population databases (gnomAD no frequency). This variant has not been reported in the literature in individuals affected with ABCA4-related conditions. For these reasons, this variant has been classified as Pathogenic.

Literature cited by the submitters: PubMed 10958761; PubMed 24938718; PubMed 25312043; PubMed 26780318.